The following is an entry in ClinVar:

ClinVar aggregate classification (germline): Likely pathogenic (1 of 4 stars; one submission).

Conditions:
PRPH2-related disorder. Also called: PRPH2-related condition; PRPH2-related disorders. Identifiers: MedGen CN239395.

Submission:

Labcorp Genetics (formerly Invitae), Labcorp
Classification: Likely pathogenic for PRPH2-related disorder. Last evaluated: 2022-08-25. Review status: criteria provided, single submitter. Criteria: Invitae Variant Classification Sherloc (09022015). Collection method: clinical testing. Allele origin: germline.
Comment: This variant disrupts the C-terminus of the PRPH2 protein. Other variant(s) that disrupt this region (p.Glu314Cysfs*12, p.Gln331*, p.Trp316*) have been observed in individuals with PRPH2-related conditions (PMID: 9338584, 12045052; Invitae). This suggests that this may be a clinically significant region of the protein. In summary, the currently available evidence indicates that the variant is pathogenic, but additional data are needed to prove that conclusively. Therefore, this variant has been classified as Likely Pathogenic. ClinVar contains an entry for this variant (Variation ID: 1520457). This variant has not been reported in the literature in individuals affected with PRPH2-related conditions. This variant is not present in population databases (gnomAD no frequency). This sequence change creates a premature translational stop signal (p.Gln304*) in the PRPH2 gene. While this is not anticipated to result in nonsense mediated decay, it is expected to disrupt the last 43 amino acid(s) of the PRPH2 protein.

Literature cited by the submitters: PubMed 9338584; PubMed 12045052.

NM_000322.5(PRPH2):c.910C>T (p.Gln304Ter)

Gene: PRPH2 (peripherin 2; minus strand). Cytogenetic location: 6p21.1.
Variant type: single nucleotide variant.
Coding change: c.910C>T on transcript NM_000322.5 (MANE Select); coding-DNA position 910, C replaced by T.
Protein change: p.Gln304Ter; replaces glutamine 304 with a stop codon.
Molecular consequence: nonsense.
Genome position (GRCh38, 1-based): chr6:42,698,426, G>A on the plus strand (C>T on the coding strand, the complement: PRPH2 is on the minus strand). VCF-style: chr6-42698426-G-A. GRCh37 (hg19) VCF-style: chr6-42666164-G-A.
Other names: short protein forms Q304*.
Identifiers: ClinVar variation 1520457 (VCV001520457.8), dbSNP rs390659, ClinGen allele CA364133175.